The following is an entry in ClinVar:

NM_001378454.1(ALMS1):c.7810T>G (p.Phe2604Val)

Gene: ALMS1 (ALMS1 centrosome and basal body associated protein; plus strand). Cytogenetic location: 2p13.1.
Variant type: single nucleotide variant.
Coding change: c.7810T>G on transcript NM_001378454.1 (MANE Select); coding-DNA position 7810, T replaced by G.
Protein change: p.Phe2604Val; replaces phenylalanine 2604 with valine.
Molecular consequence: missense variant.
Genome position (GRCh38, 1-based): chr2:73,489,769, T>G. VCF-style: chr2-73489769-T-G. GRCh37 (hg19) VCF-style: chr2-73716896-T-G.
Other names: c.7813T>G, p.Phe2605Val (NM_015120.4); short protein forms F2604V, F2605V.
Identifiers: ClinVar variation 864246 (VCV000864246.9), dbSNP rs1220754616, ClinGen allele CA347264116.

ClinVar aggregate classification (germline): Uncertain significance. Review status: criteria provided, single submitter (1 of 4 stars). 2 submissions from 2 submitters: Uncertain significance (1). 1 of the submissions does not count toward it. Last evaluated 2022-06-20.

Conditions:
Alstrom syndrome (ALMS). Identifiers: Orphanet 64, MedGen C0268425, MONDO:0008763, OMIM 203800.

Allele frequency attached by ClinVar (database versions not stated): gnomAD exomes below 0.00001.

Submissions (2):

Labcorp Genetics (formerly Invitae), Labcorp
Classification: Uncertain significance for Alstrom syndrome. Last evaluated: 2022-06-20. Review status: criteria provided, single submitter. Criteria: Invitae Variant Classification Sherloc (09022015). Collection method: clinical testing. Allele origin: germline.
Comment: This sequence change replaces phenylalanine, which is neutral and non-polar, with valine, which is neutral and non-polar, at codon 2605 of the ALMS1 protein (p.Phe2605Val). This variant is present in population databases (no rsID available, gnomAD 0.006%). This variant has not been reported in the literature in individuals affected with ALMS1-related conditions. ClinVar contains an entry for this variant (Variation ID: 864246). Experimental studies and prediction algorithms are not available or were not evaluated, and the functional significance of this variant is currently unknown. In summary, the available evidence is currently insufficient to determine the role of this variant in disease. Therefore, it has been classified as a Variant of Uncertain Significance.

Natera, Inc.
Classification: Uncertain significance for Alstrom syndrome. Last evaluated: 2020-09-16. Review status: no assertion criteria provided. Collection method: clinical testing. Allele origin: germline. Not counted in ClinVar's aggregate classification.